The following is an entry in ClinVar:

ClinVar aggregate classification (germline): Likely benign. Review status: criteria provided, multiple submitters, no conflicts (2 of 4 stars). 2 submissions from 2 submitters: Likely benign (2). Last evaluated 2023-10-01.

Conditions:
Epileptic encephalopathy. Identifiers: MedGen C0543888, HP:0200134.

Submissions (2):

CeGaT Center for Human Genetics Tuebingen
Classification: Likely benign. Last evaluated: 2023-10-01. Review status: criteria provided, single submitter. Criteria: CeGaT Center For Human Genetics Tuebingen Variant Classification Criteria Version 2. Collection method: clinical testing. Allele origin: germline. Affected: yes. Observed: 1 variant allele.
Comment: GABBR2: PM2:Supporting, BP4, BP7

Labcorp Genetics (formerly Invitae), Labcorp
Classification: Likely benign for Epileptic encephalopathy. Last evaluated: 2023-08-07. Review status: criteria provided, single submitter. Criteria: Invitae Variant Classification Sherloc (09022015). Collection method: clinical testing. Allele origin: germline.

NM_005458.8(GABBR2):c.423C>T (p.Ile141=)

Gene: GABBR2 (gamma-aminobutyric acid type B receptor subunit 2; minus strand). Cytogenetic location: 9q22.33.
Variant type: single nucleotide variant.
Coding change: c.423C>T on transcript NM_005458.8 (MANE Select); coding-DNA position 423, C replaced by T.
Protein change: p.Ile141=; no amino-acid change (isoleucine 141 retained).
Molecular consequence: synonymous variant.
Genome position (GRCh38, 1-based): chr9:98,577,971, G>A on the plus strand (C>T on the coding strand, the complement: GABBR2 is on the minus strand). VCF-style: chr9-98577971-G-A. GRCh37 (hg19) VCF-style: chr9-101340253-G-A.
Identifiers: ClinVar variation 2673183 (VCV002673183.26), dbSNP rs2490139538, ClinGen allele CA466527227.